The following is an entry in ClinVar:

NM_001127.4(AP1B1):c.528G>A (p.Val176=)

Gene: AP1B1 (adaptor related protein complex 1 subunit beta 1; minus strand). Cytogenetic location: 22q12.2.
Variant type: single nucleotide variant.
Coding change: c.528G>A on transcript NM_001127.4 (MANE Select); coding-DNA position 528, G replaced by A.
Protein change: p.Val176=; no amino-acid change (valine 176 retained).
Molecular consequence: synonymous variant.
Genome position (GRCh38, 1-based): chr22:29,356,614, C>T on the plus strand (G>A on the coding strand, the complement: AP1B1 is on the minus strand). VCF-style: chr22-29356614-C-T. GRCh37 (hg19) VCF-style: chr22-29752603-C-T.
Other names: c.528G>A, p.Val176= (NM_001166019.2, NM_001378562.1, NM_001378563.1 and 2 more transcripts); c.357G>A, p.Val119= (NM_001378564.1, NM_001378565.1).
Identifiers: ClinVar variation 3377560 (VCV003377560.1).

ClinVar aggregate classification (germline): Uncertain significance (1 of 4 stars; one submission).

Conditions:
Autosomal recessive keratitis-ichthyosis-deafness syndrome. Also called: KID SYNDROME, AUTOSOMAL RECESSIVE; Ichthyosiform erythroderma, corneal involvement, and hearing loss; DESMONS SYNDROME. Identifiers: Orphanet 477, MedGen C1275089, MONDO:0009440, OMIM 242150.

Submission:

Neuberg Centre For Genomic Medicine, NCGM
Classification: Uncertain significance for Autosomal recessive keratitis-ichthyosis-deafness syndrome. Review status: criteria provided, single submitter. Criteria: ACMG Guidelines, 2015. Collection method: clinical testing. Allele origin: germline. Inheritance: Autosomal recessive inheritance. Affected: yes.
Comment: The observed splice region synonymous c.528G>A (p.Val176) variant in AP1B1 gene has not been reported previously as a pathogenic variant nor as a benign variant, to our knowledge. The p.Val176 variant is absent in gnomAD Exomes. This variant has not been submitted to the ClinVar database. The splice AI predicts a score of 0.19 for this variant. Additional functional studies will be required to prove the pathogenicity of this variant. For these reasons, this variant has been classified as Variant of Uncertain Significance (VUS). In absence of another reportable variant in AP1B1 gene, the molecular diagnosis is not confirmed.